The following is an entry in ClinVar:

ClinVar aggregate classification (germline): Benign (1 of 4 stars; one submission).

Allele frequency attached by ClinVar (database versions not stated): gnomAD exomes 0.00050 and 0.00102; ExAC 0.00295; gnomAD 0.00417 and 0.00443; ESP Exome Variant Server 0.00454; TOPMed 0.00472; 1000 Genomes Project 30x 0.00640; 1000 Genomes Project 0.00699.
gnomAD v4.1: 1,367 of 1,554,588 alleles (0.088%); highest among the groups gnomAD compares: African/African-American, 1.5%; 10 homozygotes.

Submission:

CeGaT Center for Human Genetics Tuebingen
Classification: Benign. Last evaluated: 2022-07-01. Review status: criteria provided, single submitter. Criteria: CeGaT Center For Human Genetics Tuebingen Variant Classification Criteria Version 2. Collection method: clinical testing. Allele origin: germline. Affected: yes. Observed: 1 variant allele.
Comment: KRT81: BP4, BS1, BS2; KRT86: BS1, BS2

NM_002281.4(KRT81):c.1453G>A (p.Val485Met)

Genes: KRT86 (keratin 86; plus strand), KRT81 (keratin 81; minus strand). Cytogenetic location: 12q13.13.
Variant type: single nucleotide variant.
Coding change: c.1453G>A on transcript NM_002281.4 (MANE Select); coding-DNA position 1453, G replaced by A.
Protein change: p.Val485Met; replaces valine 485 with methionine.
Molecular consequence: missense variant. On other transcripts: intron variant (1).
Genome position (GRCh38, 1-based): chr12:52,286,320, C>T on the plus strand (G>A on the coding strand, the complement: KRT81 is on the minus strand). VCF-style: chr12-52286320-C-T. GRCh37 (hg19) VCF-style: chr12-52680104-C-T.
Other names: c.-5+10374C>T (NM_001320198.2); short protein forms V485M.
Identifiers: ClinVar variation 1701200 (VCV001701200.31), dbSNP rs115355093, ClinGen allele CA6576283.